The following is an entry in ClinVar:

ClinVar aggregate classification (germline): Uncertain significance. Review status: criteria provided, multiple submitters, no conflicts (2 of 4 stars). 2 submissions from 2 submitters: Uncertain significance (2). Last evaluated 2025-10-01.

Conditions:
Inborn genetic diseases. Identifiers: MedGen C0950123, MeSH D030342.

Allele frequency attached by ClinVar (database versions not stated): ExAC 0.00002; gnomAD exomes 0.00002 and 0.00004; gnomAD 0.00007.
gnomAD v4.1: 61 of 1,595,046 alleles (0.0038%); highest among the groups gnomAD compares: African/African-American, 0.011%; no homozygotes.

Submissions (2):

Labcorp Genetics (formerly Invitae), Labcorp
Classification: Uncertain significance. Last evaluated: 2025-10-01. Review status: criteria provided, single submitter. Criteria: Invitae Variant Classification Sherloc (09022015). Collection method: clinical testing. Allele origin: germline.
Comment: This sequence change replaces alanine, which is neutral and non-polar, with threonine, which is neutral and polar, at codon 1393 of the LAMB1 protein (p.Ala1393Thr). This variant is present in population databases (rs772465663, gnomAD 0.007%). This variant has not been reported in the literature in individuals affected with LAMB1-related conditions. ClinVar contains an entry for this variant (Variation ID: 1495621). An algorithm developed to predict the effect of missense changes on protein structure and function outputs the following: PolyPhen-2: "Benign". The threonine amino acid residue is found in multiple mammalian species, which suggests that this missense change does not adversely affect protein function. In summary, the available evidence is currently insufficient to determine the role of this variant in disease. Therefore, it has been classified as a Variant of Uncertain Significance.

Ambry Genetics
Classification: Uncertain significance for Inborn genetic diseases. Last evaluated: 2021-04-20. Review status: criteria provided, single submitter. Criteria: Ambry Variant Classification Scheme 2023. Collection method: clinical testing. Allele origin: germline.

NM_002291.3(LAMB1):c.4177G>A (p.Ala1393Thr)

Gene: LAMB1 (laminin subunit beta 1; minus strand). Cytogenetic location: 7q31.1.
Variant type: single nucleotide variant.
Coding change: c.4177G>A on transcript NM_002291.3 (MANE Select); coding-DNA position 4177, G replaced by A.
Protein change: p.Ala1393Thr; replaces alanine 1393 with threonine.
Molecular consequence: missense variant.
Genome position (GRCh38, 1-based): chr7:107,935,426, C>T on the plus strand (G>A on the coding strand, the complement: LAMB1 is on the minus strand). VCF-style: chr7-107935426-C-T. GRCh37 (hg19) VCF-style: chr7-107575871-C-T.
Other names: c.4177G>A (NM_002291.2); short protein forms A1393T.
Identifiers: ClinVar variation 1495621 (VCV001495621.7), dbSNP rs772465663, ClinGen allele CA4435140.